The following is an entry in ClinVar:

NM_017841.4(SDHAF2):c.124G>C (p.Asp42His)

Gene: SDHAF2 (succinate dehydrogenase complex assembly factor 2; plus strand). Cytogenetic location: 11q12.2.
Variant type: single nucleotide variant.
Coding change: c.124G>C on transcript NM_017841.4 (MANE Select); coding-DNA position 124, G replaced by C.
Protein change: p.Asp42His; replaces aspartic acid 42 with histidine.
Molecular consequence: missense variant.
Genome position (GRCh38, 1-based): chr11:61,437,712, G>C. VCF-style: chr11-61437712-G-C. GRCh37 (hg19) VCF-style: chr11-61205184-G-C.
Other names: short protein forms D42H.
Identifiers: ClinVar variation 5029232 (VCV005029232.1).
Genomic context (GRCh38, chr11:61,437,712, plus strand): 5'-TTGTCTCCTTTGCTCAGTGTGACATCATTCAGACGCTTCTACAGAGGTGACAGCCCAACA[G>C]ATTCCCAAAAGGACATGATTGAAATCCCTTTGCCTCCATGGCAGGAGAGAACTGATGAAT-3'
Protein context (NP_060311.1, residues 32-52): RRFYRGDSPT[Asp42His]SQKDMIEIPL

ClinVar aggregate classification (germline): Uncertain significance (1 of 4 stars; one submission).

Conditions:
Hereditary cancer-predisposing syndrome. Also called: Neoplastic Syndromes, Hereditary; Tumor predisposition; Hereditary neoplastic syndrome; Hereditary Cancer Syndrome. Identifiers: Orphanet 140162, MedGen C0027672, MeSH D009386, MONDO:0015356.

Submission:

Ambry Genetics
Classification: Uncertain significance for Hereditary cancer-predisposing syndrome. Last evaluated: 2026-07-07. Review status: criteria provided, single submitter. Criteria: Ambry Variant Classification Scheme 2023. Collection method: clinical testing. Allele origin: germline.
Comment: The p.D42H variant (also known as c.124G>C), located in coding exon 2 of the SDHAF2 gene, results from a G to C substitution at nucleotide position 124. The aspartic acid at codon 42 is replaced by histidine, an amino acid with similar properties. This amino acid position is conserved. In addition, the in silico prediction for this alteration is inconclusive. Based on the available evidence, the clinical significance of this variant remains unclear.